The following is an entry in ClinVar:

NM_000548.5(TSC2):c.5259G>T (p.Arg1753=)

Gene: TSC2 (TSC complex subunit 2; plus strand). Cytogenetic location: 16p13.3.
Variant type: single nucleotide variant.
Coding change: c.5259G>T on transcript NM_000548.5 (MANE Select); coding-DNA position 5259, G replaced by T.
Protein change: p.Arg1753=; no amino-acid change (arginine 1753 retained).
Molecular consequence: synonymous variant. On other transcripts: non-coding transcript variant (5).
Genome position (GRCh38, 1-based): chr16:2,088,325, G>T. VCF-style: chr16-2088325-G-T. GRCh37 (hg19) VCF-style: chr16-2138326-G-T.
Other names: c.5058G>T, p.Arg1686= (NM_001077183.3); c.5190G>T, p.Arg1730= (NM_001114382.3); c.4950G>T, p.Arg1650= (NM_001318827.2); c.4914G>T, p.Arg1638= (NM_001318829.2); c.4527G>T, p.Arg1509= (NM_001318831.2); c.5091G>T, p.Arg1697= (NM_001318832.2); c.5061G>T, p.Arg1687= (NM_001363528.2); c.5127G>T, p.Arg1709= (NM_001370404.1); and 27 more.
Identifiers: ClinVar variation 3462560 (VCV003462560.1).

ClinVar aggregate classification (germline): Uncertain significance (1 of 4 stars; one submission).

Conditions:
Hereditary cancer-predisposing syndrome. Also called: Tumor predisposition; Neoplastic Syndromes, Hereditary; Hereditary neoplastic syndrome; Hereditary Cancer Syndrome. Identifiers: Orphanet 140162, MedGen C0027672, MeSH D009386, MONDO:0015356.

Submission:

Ambry Genetics
Classification: Uncertain significance for Hereditary cancer-predisposing syndrome. Last evaluated: 2024-09-21. Review status: criteria provided, single submitter. Criteria: Ambry Variant Classification Scheme 2023. Collection method: clinical testing. Allele origin: germline.
Comment: The c.5259G>T variant (also known as p.R1753R), located in coding exon 40 of the TSC2 gene. This variant results from a G to T substitution at nucleotide position 5259. This nucleotide substitution does not change the arginine residue at codon 1753. However, this change occurs in the last base pair of coding exon 40, which makes it likely to have some effect on normal mRNA splicing. This nucleotide position is highly conserved in available vertebrate species. In silico splice site analysis predicts that this alteration may weaken the native splice donor site and may result in the creation or strengthening of a novel splice donor site. Based on the available evidence, the clinical significance of this variant remains unclear.